The following is an entry in ClinVar:

NM_001382391.1(CSPP1):c.2624T>C (p.Ile875Thr)

Gene: CSPP1 (centrosome and spindle pole associated protein 1; plus strand). Cytogenetic location: 8q13.2.
Variant type: single nucleotide variant.
Coding change: c.2624T>C on transcript NM_001382391.1 (MANE Select); coding-DNA position 2624, T replaced by C.
Protein change: p.Ile875Thr; replaces isoleucine 875 with threonine.
Molecular consequence: missense variant.
Genome position (GRCh38, 1-based): chr8:67,161,896, T>C. VCF-style: chr8-67161896-T-C. GRCh37 (hg19) VCF-style: chr8-68074131-T-C.
Other names: c.1574T>C, p.Ile525Thr (NM_001291339.2); c.2543T>C, p.Ile848Thr (NM_001363131.2); c.2429T>C, p.Ile810Thr (NM_001363132.2); c.2348T>C, p.Ile783Thr (NM_001363133.2); c.2690T>C, p.Ile897Thr (NM_001364869.1); c.2510T>C, p.Ile837Thr (NM_001364870.1); c.2609T>C, p.Ile870Thr (NM_024790.7); short protein forms I783T, I848T, I875T, I525T, I810T, I837T, I870T, I897T.
Identifiers: ClinVar variation 1399216 (VCV001399216.5), dbSNP rs751572039, ClinGen allele CA4770884.
Genomic context (GRCh38, chr8:67,161,896, plus strand): 5'-TTCCTGCTCTTCAGAACAAAATTGCAAGCAAACTCCAAAGACCTCCTTCAGTTGACAGCA[T>C]CATACGTTCCTTTATTCATGTATGTACTTTTGTTTTTATTTGTTCATCCTAGCTCAGTTA-3'
Protein context (NP_001369320.1, residues 865-885): KLQRPPSVDS[Ile875Thr]IRSFIHESSM

ClinVar aggregate classification (germline): Uncertain significance. Review status: criteria provided, multiple submitters, no conflicts (2 of 4 stars). 2 submissions from 2 submitters: Uncertain significance (2). Last evaluated 2024-11-11.

Conditions:
Joubert syndrome 21 (JBTS21). Identifiers: MedGen C3810212, MONDO:0014288, OMIM 615636.
Inborn genetic diseases. Identifiers: MedGen C0950123, MeSH D030342.

Allele frequency attached by ClinVar (database versions not stated): gnomAD 0.00002 and 0.00003; ExAC 0.00003; TOPMed 0.00005.
gnomAD v4.1: 38 of 1,608,764 alleles (0.0024%); highest among the groups gnomAD compares: Middle Eastern, 0.033%; no homozygotes.

Submissions (2):

Labcorp Genetics (formerly Invitae), Labcorp
Classification: Uncertain significance for Joubert syndrome 21. Last evaluated: 2024-11-11. Review status: criteria provided, single submitter. Criteria: Invitae Variant Classification Sherloc (09022015). Collection method: clinical testing. Allele origin: germline.
Comment: This sequence change replaces isoleucine, which is neutral and non-polar, with threonine, which is neutral and polar, at codon 870 of the CSPP1 protein (p.Ile870Thr). This variant is present in population databases (rs751572039, gnomAD 0.006%). This variant has not been reported in the literature in individuals affected with CSPP1-related conditions. ClinVar contains an entry for this variant (Variation ID: 1399216). An algorithm developed to predict the effect of missense changes on protein structure and function (PolyPhen-2) suggests that this variant¬†is likely to be tolerated. In summary, the available evidence is currently insufficient to determine the role of this variant in disease. Therefore, it has been classified as a Variant of Uncertain Significance.

Ambry Genetics
Classification: Uncertain significance for Inborn genetic diseases. Last evaluated: 2022-12-19. Review status: criteria provided, single submitter. Criteria: Ambry Variant Classification Scheme 2023. Collection method: clinical testing. Allele origin: germline.